The following is an entry in ClinVar:

NM_000264.5(PTCH1):c.2332A>G (p.Thr778Ala)

Genes: PTCH1 (patched 1; minus strand), LOC100507346 (uncharacterized LOC100507346; plus strand). Cytogenetic location: 9q22.32.
Variant type: single nucleotide variant.
Coding change: c.2332A>G on transcript NM_000264.5 (MANE Select); coding-DNA position 2332, A replaced by G.
Protein change: p.Thr778Ala; replaces threonine 778 with alanine.
Molecular consequence: missense variant. On other transcripts: non-coding transcript variant (1).
Genome position (GRCh38, 1-based): chr9:95,467,344, T>C on the plus strand (A>G on the coding strand, the complement: PTCH1 is on the minus strand). VCF-style: chr9-95467344-T-C. GRCh37 (hg19) VCF-style: chr9-98229626-T-C.
Other names: c.2134A>G, p.Thr712Ala (NM_001083602.3); c.2329A>G, p.Thr777Ala (NM_001083603.3); c.1879A>G, p.Thr627Ala (NM_001083604.3, NM_001083605.3, NM_001083606.3 and 1 more transcripts); c.2176A>G, p.Thr726Ala (NM_001354918.2); short protein forms T627A, T726A, T712A, T778A, T777A.
Identifiers: ClinVar variation 1383715 (VCV001383715.8), dbSNP rs869025270, ClinGen allele CA374114578.
Genomic context (GRCh38, chr9:95,467,344, plus strand): 5'-AGTATTTGAATTGTGCAGCAATAAAGTCATATTCTCTGGTTTCCCGAGGTACAATGTCCG[T>C]AAGGTCCAGCCCGTCTCTCACTCGGGTGGTGCCATAAAGGCTGACCCCCAGCAAGCCCAG-3'
Protein context (NP_000255.2, residues 768-788): TTRVRDGLDL[Thr778Ala]DIVPRETREY

ClinVar aggregate classification (germline): Uncertain significance. Review status: criteria provided, multiple submitters, no conflicts (2 of 4 stars). 2 submissions from 2 submitters: Uncertain significance (2). Last evaluated 2024-04-11.

Conditions:
Hereditary cancer-predisposing syndrome. Also called: Tumor predisposition; Hereditary neoplastic syndrome; Neoplastic Syndromes, Hereditary; Hereditary Cancer Syndrome. Identifiers: Orphanet 140162, MedGen C0027672, MeSH D009386, MONDO:0015356.
Gorlin syndrome. Also called: Basal cell nevus syndrome; Nevoid Basal Cell Carcinoma Syndrome. Identifiers: Orphanet 377, MedGen C0004779, MONDO:0007187.

Allele frequency attached by ClinVar (database versions not stated): gnomAD exomes below 0.00001.
gnomAD v4.1: 1 of 1,614,206 alleles (0.000062%); highest among the groups gnomAD compares: Non-Finnish European, 0.000085%; no homozygotes.

Submissions (2):

Labcorp Genetics (formerly Invitae), Labcorp
Classification: Uncertain significance for Gorlin syndrome. Last evaluated: 2024-04-11. Review status: criteria provided, single submitter. Criteria: Invitae Variant Classification Sherloc (09022015). Collection method: clinical testing. Allele origin: germline.
Comment: This sequence change replaces threonine, which is neutral and polar, with alanine, which is neutral and non-polar, at codon 778 of the PTCH1 protein (p.Thr778Ala). This variant is not present in population databases (gnomAD no frequency). This variant has not been reported in the literature in individuals affected with PTCH1-related conditions. ClinVar contains an entry for this variant (Variation ID: 1383715). Advanced modeling of protein sequence and biophysical properties (such as structural, functional, and spatial information, amino acid conservation, physicochemical variation, residue mobility, and thermodynamic stability) performed at Invitae indicates that this missense variant is not expected to disrupt PTCH1 protein function with a negative predictive value of 95%. In summary, the available evidence is currently insufficient to determine the role of this variant in disease. Therefore, it has been classified as a Variant of Uncertain Significance.

Ambry Genetics
Classification: Uncertain significance for Hereditary cancer-predisposing syndrome. Last evaluated: 2020-11-11. Review status: criteria provided, single submitter. Criteria: Ambry Variant Classification Scheme 2023. Collection method: clinical testing. Allele origin: germline.
Comment: The p.T778A variant (also known as c.2332A>G), located in coding exon 15 of the PTCH1 gene, results from an A to G substitution at nucleotide position 2332. The threonine at codon 778 is replaced by alanine, an amino acid with similar properties. This amino acid position is highly conserved in available vertebrate species. In addition, this alteration is predicted to be deleterious by in silico analysis. Since supporting evidence is limited at this time, the clinical significance of this alteration remains unclear.